The following is an entry in ClinVar:

NM_001161352.2(KCNMA1):c.2714C>T (p.Thr905Met)

Genes: KCNMA1-AS1 (KCNMA1 antisense RNA 1; plus strand), KCNMA1 (potassium calcium-activated channel subfamily M alpha 1; minus strand). Cytogenetic location: 10q22.3.
Variant type: single nucleotide variant.
Coding change: c.2714C>T on transcript NM_001161352.2 (MANE Select); coding-DNA position 2714, C replaced by T.
Protein change: p.Thr905Met; replaces threonine 905 with methionine.
Molecular consequence: missense variant.
Genome position (GRCh38, 1-based): chr10:76,944,961, G>A on the plus strand (C>T on the coding strand, the complement: KCNMA1 is on the minus strand). VCF-style: chr10-76944961-G-A. GRCh37 (hg19) VCF-style: chr10-78704719-G-A.
Other names: c.2552C>T, p.Thr851Met (NM_001014797.3, NM_001322835.2, NM_001322837.2); c.2663C>T, p.Thr888Met (NM_001161353.2); c.2390C>T, p.Thr797Met (NM_001271518.2); c.2549C>T, p.Thr850Met (NM_001271519.2, NM_001322829.2, NM_001322836.2); c.2561C>T, p.Thr854Met (NM_001322830.2); c.2540C>T, p.Thr847Met (NM_001322832.2, NM_002247.4); c.2087C>T, p.Thr696Met (NM_001322838.2); short protein forms T850M, T851M, T696M, T797M, T905M, T847M, T854M, T888M.
Identifiers: ClinVar variation 806524 (VCV000806524.47), dbSNP rs201192736, ClinGen allele CA5567995.

ClinVar aggregate classification (germline): Uncertain significance. Review status: criteria provided, multiple submitters, no conflicts (2 of 4 stars). 2 submissions from 2 submitters: Uncertain significance (2). Last evaluated 2022-10-12.

Conditions:
Generalized epilepsy-paroxysmal dyskinesia syndrome (PNKD3). Also called: Generalized epilepsy and paroxysmal dyskinesia; Paroxysmal nonkinesigenic dyskinesia, 3, with or without generalized epilepsy. Identifiers: Orphanet 79137, MedGen C5574945, MONDO:0012276, OMIM 609446.

Allele frequency attached by ClinVar (database versions not stated): gnomAD exomes 0.00001 and 0.00003; gnomAD 0.00003; TOPMed 0.00003; ExAC 0.00002.
gnomAD v4.1: 50 of 1,613,128 alleles (0.0031%); highest among the groups gnomAD compares: Non-Finnish European, 0.0037%; no homozygotes.

Submissions (2):

Labcorp Genetics (formerly Invitae), Labcorp
Classification: Uncertain significance for Generalized epilepsy-paroxysmal dyskinesia syndrome. Last evaluated: 2022-10-12. Review status: criteria provided, single submitter. Criteria: Invitae Variant Classification Sherloc (09022015). Collection method: clinical testing. Allele origin: germline.
Comment: This variant has not been reported in the literature in individuals affected with KCNMA1-related conditions. In summary, the available evidence is currently insufficient to determine the role of this variant in disease. Therefore, it has been classified as a Variant of Uncertain Significance. Advanced modeling of protein sequence and biophysical properties (such as structural, functional, and spatial information, amino acid conservation, physicochemical variation, residue mobility, and thermodynamic stability) has been performed at Invitae for this missense variant, however the output from this modeling did not meet the statistical confidence thresholds required to predict the impact of this variant on KCNMA1 protein function. ClinVar contains an entry for this variant (Variation ID: 806524). This variant is present in population databases (rs201192736, gnomAD 0.004%). This sequence change replaces threonine, which is neutral and polar, with methionine, which is neutral and non-polar, at codon 847 of the KCNMA1 protein (p.Thr847Met).

CeGaT Center for Human Genetics Tuebingen
Classification: Uncertain significance. Last evaluated: 2018-05-01. Review status: criteria provided, single submitter. Criteria: CeGaT Center For Human Genetics Tuebingen Variant Classification Criteria Version 2. Collection method: clinical testing. Allele origin: germline. Affected: yes. Observed: 1 variant allele.